The following is an entry in ClinVar:

NM_024685.4(BBS10):c.157C>T (p.Arg53Cys)

Gene: BBS10 (Bardet-Biedl syndrome 10; minus strand). Cytogenetic location: 12q21.2.
Variant type: single nucleotide variant.
Coding change: c.157C>T on transcript NM_024685.4 (MANE Select); coding-DNA position 157, C replaced by T.
Protein change: p.Arg53Cys; replaces arginine 53 with cysteine.
Molecular consequence: missense variant.
Genome position (GRCh38, 1-based): chr12:76,348,202, G>A on the plus strand (C>T on the coding strand, the complement: BBS10 is on the minus strand). VCF-style: chr12-76348202-G-A. GRCh37 (hg19) VCF-style: chr12-76741982-G-A.
Other names: short protein forms R53C.
Identifiers: ClinVar variation 4989894 (VCV004989894.1).

ClinVar aggregate classification (germline): Uncertain significance (1 of 4 stars; one submission).

Conditions:
BBS10-related disorder. Also called: BBS10-related condition.

gnomAD v4.1: 1 of 1,613,274 alleles (0.000062%); highest among the groups gnomAD compares: African/African-American, 0.0013%; no homozygotes.

Submission:

PreventionGenetics, part of Exact Sciences
Classification: Uncertain significance for BBS10-related condition. Last evaluated: 2025-12-29. Review status: criteria provided, single submitter. Criteria: ACMG Guidelines, 2015. Collection method: clinical testing. Allele origin: germline.
Comment: The BBS10 c.157C>T variant is predicted to result in the amino acid substitution p.Arg53Cys. To our knowledge, this variant has not been reported in the literature. This variant is reported in 0.0065% of alleles in individuals of African descent in gnomAD. At this time, the clinical significance of this variant is uncertain due to the absence of conclusive functional and genetic evidence.